The following is an entry in ClinVar:

NM_001042492.3(NF1):c.3198-5T>C

Gene: NF1 (neurofibromin 1; plus strand). Cytogenetic location: 17q11.2.
Variant type: single nucleotide variant.
Coding change: c.3198-5T>C on transcript NM_001042492.3 (MANE Select); 5 bases into the intron before coding-DNA position 3198, T replaced by C.
Molecular consequence: intron variant.
Genome position (GRCh38, 1-based): chr17:31,232,068, T>C. VCF-style: chr17-31232068-T-C. GRCh37 (hg19) VCF-style: chr17-29559086-T-C.
Other names: c.3198-5T>C (NM_000267.4).
Identifiers: ClinVar variation 142679 (VCV000142679.16), dbSNP rs587782639, ClinGen allele CA169098.

ClinVar aggregate classification (germline): Likely benign. Review status: criteria provided, multiple submitters, no conflicts (2 of 4 stars). 6 submissions from 5 submitters: Likely benign (6). Last evaluated 2025-07-03.

Conditions:
Hereditary cancer-predisposing syndrome. Also called: Neoplastic Syndromes, Hereditary; Hereditary Cancer Syndrome; Hereditary neoplastic syndrome; Tumor predisposition. Identifiers: Orphanet 140162, MedGen C0027672, MeSH D009386, MONDO:0015356.
Cardiovascular phenotype. Identifiers: MedGen CN230736.
Neurofibromatosis, type 1 (NF1). Also called: VON RECKLINGHAUSEN DISEASE; Neurofibromatosis, type I; NEUROFIBROMATOSIS, TYPE I, SOMATIC; Peripheral type neurofibromatosis. Identifiers: Orphanet 636, MedGen C0027831, MONDO:0018975, OMIM 162200. Disease mechanism: loss of function.

Allele frequency attached by ClinVar (database versions not stated): gnomAD exomes below 0.00001 and 0.00001.
gnomAD v4.1: 3 of 1,406,106 alleles (0.00021%); highest among the groups gnomAD compares: Non-Finnish European, 0.00029%; no homozygotes.

Submissions (6):

Labcorp Genetics (formerly Invitae), Labcorp
Classification: Likely benign for Neurofibromatosis, type 1. Last evaluated: 2025-07-03. Review status: criteria provided, single submitter. Criteria: Invitae Variant Classification Sherloc (09022015). Collection method: clinical testing. Allele origin: germline.

Women's Health and Genetics/Laboratory Corporation of America, LabCorp
Classification: Likely benign. Last evaluated: 2024-02-08. Review status: criteria provided, single submitter. Criteria: LabCorp Variant Classification Summary - May 2015. Collection method: clinical testing. Allele origin: germline.
Comment: Variant summary: NF1 c.3198-5T>C alters a non-conserved nucleotide located close to a canonical splice site and therefore could affect mRNA splicing, leading to a significantly altered protein sequence. Consensus agreement among computation tools predict no significant impact on normal splicing. However, these predictions have yet to be confirmed by functional studies. The variant allele was found at a frequency of 1.3e-05 in 155524 control chromosomes (gnomAD). The available data on variant occurrences in the general population are insufficient to allow any conclusion about variant significance. To our knowledge, no occurrence of c.3198-5T>C in individuals affected with Neurofibromatosis Type 1 and no experimental evidence demonstrating its impact on protein function have been reported. ClinVar contains an entry for this variant (Variation ID: 142679). Based on the evidence outlined above, the variant was classified as likely benign.

Genome-Nilou Lab
Classification: Likely benign for Neurofibromatosis, type 1. Last evaluated: 2022-03-15. Review status: criteria provided, single submitter. Criteria: ACMG Guidelines, 2015. Collection method: clinical testing. Allele origin: germline. Affected: no.

Ambry Genetics
Classification: Likely benign for Cardiovascular phenotype; Hereditary cancer-predisposing syndrome. Last evaluated: 2020-04-27. Review status: criteria provided, single submitter. Criteria: Ambry Variant Classification Scheme 2023. Collection method: clinical testing. Allele origin: germline.

GeneDx
Classification: Likely benign. Last evaluated: 2018-01-08. Review status: criteria provided, single submitter. Criteria: GeneDx Variant Classification (06012015). Collection method: clinical testing. Allele origin: germline. Affected: yes.
Comment: This variant is considered likely benign or benign based on one or more of the following criteria: it is a conservative change, it occurs at a poorly conserved position in the protein, it is predicted to be benign by multiple in silico algorithms, and/or has population frequency not consistent with disease.

Ambry Genetics
Classification: Likely benign for Hereditary cancer-predisposing syndrome. Last evaluated: 2014-04-04. Review status: criteria provided, single submitter. Criteria: Ambry Autosomal Dominant and X-Linked criteria (10/2015). Collection method: clinical testing. Allele origin: germline. Observed: 1 variant allele.
Comment: In silico models in agreement (benign);Other data supporting benign classification;Other strong data supporting benign classification